The following is an entry in ClinVar:

ClinVar aggregate classification (germline): Benign/Likely benign. Review status: criteria provided, multiple submitters, no conflicts (2 of 4 stars). 2 submissions from 2 submitters: Benign (1); Likely benign (1). Last evaluated 2026-01-27.

Conditions:
Weaver syndrome (WVS). Also called: Weaver Smith syndrome; Overgrowth syndrome with accelerated skeletal maturation, unusual facies, and camptodactyly. Identifiers: Orphanet 3447, MedGen C0265210, MONDO:0010193, OMIM 277590.

Allele frequency attached by ClinVar (database versions not stated): gnomAD exomes 0.00028; ExAC 0.00037; 1000 Genomes Project 0.00060; gnomAD 0.00101 and 0.00112; 1000 Genomes Project 30x 0.00109; TOPMed 0.00110; ESP Exome Variant Server 0.00131.
gnomAD v4.1: 301 of 1,606,834 alleles (0.019%); highest among the groups gnomAD compares: African/African-American, 0.36%; 1 homozygote.

Submissions (2):

Labcorp Genetics (formerly Invitae), Labcorp
Classification: Benign for Weaver syndrome. Last evaluated: 2026-01-27. Review status: criteria provided, single submitter. Criteria: Invitae Variant Classification Sherloc (09022015). Collection method: clinical testing. Allele origin: germline.

GeneDx
Classification: Likely benign. Last evaluated: 2018-01-10. Review status: criteria provided, single submitter. Criteria: GeneDx Variant Classification (06012015). Collection method: clinical testing. Allele origin: germline. Affected: yes.
Comment: This variant is considered likely benign or benign based on one or more of the following criteria: it is a conservative change, it occurs at a poorly conserved position in the protein, it is predicted to be benign by multiple in silico algorithms, and/or has population frequency not consistent with disease.

NM_004456.5(EZH2):c.1505+12A>G

Gene: EZH2 (enhancer of zeste 2 polycomb repressive complex 2 subunit; minus strand). Cytogenetic location: 7q36.1.
Variant type: single nucleotide variant.
Coding change: c.1505+12A>G on transcript NM_004456.5 (MANE Select); 12 bases into the intron after coding-DNA position 1505, A replaced by G.
Molecular consequence: intron variant.
Genome position (GRCh38, 1-based): chr7:148,816,672, T>C on the plus strand (A>G on the coding strand, the complement: EZH2 is on the minus strand). VCF-style: chr7-148816672-T-C. GRCh37 (hg19) VCF-style: chr7-148513764-T-C.
Other names: c.1463+12A>G (NM_001203248.2, NM_001203249.2); c.1373+12A>G (NM_152998.3); c.1490+12A>G (NM_001203247.2).
Identifiers: ClinVar variation 514512 (VCV000514512.9), dbSNP rs192767078, ClinGen allele CA4547875.